The following is an entry in ClinVar:

ClinVar aggregate classification (germline): Uncertain significance (1 of 4 stars; one submission).

Conditions:
Cohen syndrome (COH1). Also called: Cutis verticis gyrata, retinitis pigmentosa, and sensorineural deafness; PEPPER SYNDROME. Identifiers: Orphanet 193, MedGen C0265223, MONDO:0008999, OMIM 216550.

Submission:

Labcorp Genetics (formerly Invitae), Labcorp
Classification: Uncertain significance for Cohen syndrome. Last evaluated: 2023-08-10. Review status: criteria provided, single submitter. Criteria: Invitae Variant Classification Sherloc (09022015). Collection method: clinical testing. Allele origin: germline.
Comment: In summary, the available evidence is currently insufficient to determine the role of this variant in disease. Therefore, it has been classified as a Variant of Uncertain Significance. Advanced modeling of protein sequence and biophysical properties (such as structural, functional, and spatial information, amino acid conservation, physicochemical variation, residue mobility, and thermodynamic stability) performed at Invitae indicates that this missense variant is not expected to disrupt VPS13B protein function. ClinVar contains an entry for this variant (Variation ID: 1381054). This variant has not been reported in the literature in individuals affected with VPS13B-related conditions. This variant is not present in population databases (gnomAD no frequency). This sequence change replaces aspartic acid with tyrosine at codon 1231 of the VPS13B protein (p.Asp1231Tyr). The aspartic acid residue is moderately conserved and there is a large physicochemical difference between aspartic acid and tyrosine.

NM_152564.5(VPS13B):c.3691G>T (p.Asp1231Tyr)

Gene: VPS13B (vacuolar protein sorting 13 homolog B; plus strand). Cytogenetic location: 8q22.2.
Variant type: single nucleotide variant.
Coding change: c.3691G>T on transcript NM_152564.5 (MANE Select); coding-DNA position 3691, G replaced by T.
Protein change: p.Asp1231Tyr; replaces aspartic acid 1231 with tyrosine.
Molecular consequence: missense variant.
Genome position (GRCh38, 1-based): chr8:99,481,623, G>T. VCF-style: chr8-99481623-G-T. GRCh37 (hg19) VCF-style: chr8-100493851-G-T.
Other names: c.3691G>T, p.Asp1231Tyr (NM_017890.5); short protein forms D1231Y.
Identifiers: ClinVar variation 1381054 (VCV001381054.6), dbSNP rs2133556147, ClinGen allele CA371866687.
Genomic context (GRCh38, chr8:99,481,623, plus strand): 5'-AGACTTGTTTTCTTTTCTTTTTTCTTATGCTCTCAGGTCCAGCTCTTCTATGAACTAACT[G>T]ATATCATGAATAAGGTCTGGAACAAGATTCAGAAGAGAGGCAATCTCAACCTATCTCCAA-3'
Protein context (NP_689777.3, residues 1221-1241): PQVQLFYELT[Asp1231Tyr]IMNKVWNKIQ